The following is an entry in ClinVar:

NM_005356.5(LCK):c.1064T>C (p.Ile355Thr)

Gene: LCK (LCK proto-oncogene, Src family tyrosine kinase; plus strand). Cytogenetic location: 1p35.2.
Variant type: single nucleotide variant.
Coding change: c.1064T>C on transcript NM_005356.5 (MANE Select); coding-DNA position 1064, T replaced by C.
Protein change: p.Ile355Thr; replaces isoleucine 355 with threonine.
Molecular consequence: missense variant.
Genome position (GRCh38, 1-based): chr1:32,279,863, T>C. VCF-style: chr1-32279863-T-C. GRCh37 (hg19) VCF-style: chr1-32745464-T-C.
Other names: c.1064T>C, p.Ile355Thr (NM_001042771.3); c.911T>C, p.Ile304Thr (NM_001330468.2); short protein forms I304T, I355T.
Identifiers: ClinVar variation 1504750 (VCV001504750.7), dbSNP rs1640396798, ClinGen allele CA339642471.
Genomic context (GRCh38, chr1:32,279,863, plus strand): 5'-ATCTGGCTCAGGACCGCTGATCTGTGTTTGGCCTGCAGATTGCAGAAGGCATGGCATTCA[T>C]TGAAGAGCGGAATTATATTCATCGTGACCTTCGGGCTGCCAACATTCTGGTGTCTGACAC-3'
Protein context (NP_005347.3, residues 345-365): AAQIAEGMAF[Ile355Thr]EERNYIHRDL

ClinVar aggregate classification (germline): Uncertain significance (1 of 4 stars; one submission).

Conditions:
Severe combined immunodeficiency due to LCK deficiency. Also called: Immunodeficiency 22. Identifiers: Orphanet 280142, MedGen C4014233, MONDO:0014334, OMIM 615758.

Allele frequency attached by ClinVar (database versions not stated): gnomAD exomes below 0.00001; TOPMed below 0.00001.
gnomAD v4.1: 1 of 1,614,252 alleles (0.000062%); highest among the groups gnomAD compares: Non-Finnish European, 0.000085%; no homozygotes.

Submission:

Labcorp Genetics (formerly Invitae), Labcorp
Classification: Uncertain significance for Severe combined immunodeficiency due to LCK deficiency. Last evaluated: 2021-07-12. Review status: criteria provided, single submitter. Criteria: Invitae Variant Classification Sherloc (09022015). Collection method: clinical testing. Allele origin: germline.
Comment: This variant is not present in population databases (ExAC no frequency). This sequence change replaces isoleucine with threonine at codon 355 of the LCK protein (p.Ile355Thr). The isoleucine residue is highly conserved and there is a moderate physicochemical difference between isoleucine and threonine. This variant has not been reported in the literature in individuals affected with LCK-related conditions. In summary, the available evidence is currently insufficient to determine the role of this variant in disease. Therefore, it has been classified as a Variant of Uncertain Significance. Algorithms developed to predict the effect of missense changes on protein structure and function (SIFT, PolyPhen-2, Align-GVGD) all suggest that this variant is likely to be disruptive.